The following is an entry in ClinVar:

NM_182746.3(MCM4):c.2288G>A (p.Arg763His)

Gene: MCM4 (minichromosome maintenance complex component 4; plus strand). Cytogenetic location: 8q11.21.
Variant type: single nucleotide variant.
Coding change: c.2288G>A on transcript NM_182746.3 (MANE Select); coding-DNA position 2288, G replaced by A.
Protein change: p.Arg763His; replaces arginine 763 with histidine.
Molecular consequence: missense variant.
Genome position (GRCh38, 1-based): chr8:47,974,885, G>A. VCF-style: chr8-47974885-G-A. GRCh37 (hg19) VCF-style: chr8-48887445-G-A.
Other names: c.2288G>A, p.Arg763His (NM_005914.4); short protein forms R763H.
Identifiers: ClinVar variation 1501550 (VCV001501550.5), dbSNP rs770266639, ClinGen allele CA4742868.
Genomic context (GRCh38, chr8:47,974,885, plus strand): 5'-CCCATGCTAAAGTAAGATTGTCTAACAAAGTTGAAGCCATTGATGTGGAAGAGGCCAAAC[G>A]CCTCCATCGGGAAGCTCTGAAGCAGTCTGCAACTGATCCCCGGACTGGCATCGTGGACAT-3'
Protein context (NP_877423.1, residues 753-773): VEAIDVEEAK[Arg763His]LHREALKQSA

ClinVar aggregate classification (germline): Uncertain significance (1 of 4 stars; one submission).

Allele frequency attached by ClinVar (database versions not stated): TOPMed below 0.00001; ExAC 0.00001; gnomAD 0.00001; gnomAD exomes 0.00002.
gnomAD v4.1: 14 of 1,614,092 alleles (0.00087%); highest among the groups gnomAD compares: Admixed American, 0.0033%; no homozygotes.

Submission:

Labcorp Genetics (formerly Invitae), Labcorp
Classification: Uncertain significance. Last evaluated: 2021-09-24. Review status: criteria provided, single submitter. Criteria: Invitae Variant Classification Sherloc (09022015). Collection method: clinical testing. Allele origin: germline.
Comment: This sequence change replaces arginine with histidine at codon 763 of the MCM4 protein (p.Arg763His). The arginine residue is highly conserved and there is a small physicochemical difference between arginine and histidine. This variant is present in population databases (rs770266639, ExAC 0.001%). This variant has not been reported in the literature in individuals with MCM4-related conditions. Algorithms developed to predict the effect of missense changes on protein structure and function are either unavailable or do not agree on the potential impact of this missense change (SIFT: "Deleterious"; PolyPhen-2: "Probably Damaging"; Align-GVGD: "Class C0"). In summary, the available evidence is currently insufficient to determine the role of this variant in disease. Therefore, it has been classified as a Variant of Uncertain Significance.